The following is an entry in ClinVar:

NM_014244.5(ADAMTS2):c.1701G>T (p.Trp567Cys)

Gene: ADAMTS2 (ADAM metallopeptidase with thrombospondin type 1 motif 2; minus strand). Cytogenetic location: 5q35.3.
Variant type: single nucleotide variant.
Coding change: c.1701G>T on transcript NM_014244.5 (MANE Select); coding-DNA position 1701, G replaced by T.
Protein change: p.Trp567Cys; replaces tryptophan 567 with cysteine.
Molecular consequence: missense variant.
Genome position (GRCh38, 1-based): chr5:179,139,964, C>A on the plus strand (G>T on the coding strand, the complement: ADAMTS2 is on the minus strand). VCF-style: chr5-179139964-C-A. GRCh37 (hg19) VCF-style: chr5-178566965-C-A.
Other names: short protein forms W567C.
Identifiers: ClinVar variation 1199244 (VCV001199244.4), dbSNP rs2113223246, ClinGen allele CA362428195.
Genomic context (GRCh38, chr5:179,139,964, plus strand): 5'-CTGGCGGGTCCTGAACTTCACGCCCGTGCCACAGGTACGTGAGCAGGAGCCAAACGGACT[C>A]CAAGCGCCCCAGCTGCCGTCCCGTTTGAGGATGTCAGGTGTCAGCCAGATGCAGTGTCCT-3'
Protein context (NP_055059.2, residues 557-577): ILKRDGSWGA[Trp567Cys]SPFGSCSRTC

ClinVar aggregate classification (germline): Likely pathogenic (1 of 4 stars; one submission).

Conditions:
Ehlers-Danlos syndrome, dermatosparaxis type. Also called: Ehlers-Danlos syndrome, type VII, autosomal recessive; EDS VIIC; Dermatosparaxis. Identifiers: Orphanet 1901, MedGen C2700425, MONDO:0009161, OMIM 225410.

Submission:

Illumina Laboratory Services, Illumina
Classification: Likely pathogenic for Ehlers-Danlos syndrome, dermatosparaxis type. Last evaluated: 2021-02-08. Review status: criteria provided, single submitter. Criteria: ICSLVariantClassificationCriteria RUGD 01 April 2020. Collection method: clinical testing. Allele origin: unknown.
Comment: The ADAMTS2 c.1701G>T (p.Trp567Cys) variant is a missense variant. A literature search was performed for the gene, cDNA change, and amino acid change. No publications were found based on this search. This variant is not found in the Genome Aggregation Database in a region of good sequence coverage, so the variant is presumed to be rare. The variant has been identified in trans with a known pathogenic variant and is located in the TSP type-1 1 domain of the protein. Based on application of the ACMG criteria, the p.Trp567Cys variant is classified as likely pathogenic for dermatosparaxis type of Ehlers-Danlos syndrome.